The following is an entry in ClinVar:

NM_001556.3(IKBKB):c.1351C>G (p.Gln451Glu)

Gene: IKBKB (inhibitor of nuclear factor kappa B kinase subunit beta; plus strand). Cytogenetic location: 8p11.21.
Variant type: single nucleotide variant.
Coding change: c.1351C>G on transcript NM_001556.3 (MANE Select); coding-DNA position 1351, C replaced by G.
Protein change: p.Gln451Glu; replaces glutamine 451 with glutamic acid.
Molecular consequence: missense variant. On other transcripts: non-coding transcript variant (3).
Genome position (GRCh38, 1-based): chr8:42,318,662, C>G. VCF-style: chr8-42318662-C-G. GRCh37 (hg19) VCF-style: chr8-42176180-C-G.
Other names: c.1159C>G, p.Gln387Glu (NM_001190720.3); c.1174C>G, p.Gln392Glu (NM_001242778.2); short protein forms Q451E, Q387E, Q392E.
Identifiers: ClinVar variation 3692587 (VCV003692587.2).

ClinVar aggregate classification (germline): Uncertain significance (1 of 4 stars; one submission).

Conditions:
Severe combined immunodeficiency due to IKK2 deficiency. Also called: Immunodeficiency 15; IMMUNODEFICIENCY 15B. Identifiers: Orphanet 397787, MedGen C4747743, MONDO:0014267, OMIM 615592.

gnomAD v4.1: 2 of 1,612,776 alleles (0.00012%); highest among the groups gnomAD compares: East Asian, 0.0045%; no homozygotes.

Submission:

Labcorp Genetics (formerly Invitae), Labcorp
Classification: Uncertain significance for Severe combined immunodeficiency due to IKK2 deficiency. Last evaluated: 2024-12-19. Review status: criteria provided, single submitter. Criteria: Invitae Variant Classification Sherloc (09022015). Collection method: clinical testing. Allele origin: germline.
Comment: This sequence change replaces glutamine, which is neutral and polar, with glutamic acid, which is acidic and polar, at codon 451 of the IKBKB protein (p.Gln451Glu). This variant is not present in population databases (gnomAD no frequency). This variant has not been reported in the literature in individuals affected with IKBKB-related conditions. Invitae Evidence Modeling of protein sequence and biophysical properties (such as structural, functional, and spatial information, amino acid conservation, physicochemical variation, residue mobility, and thermodynamic stability) indicates that this missense variant is not expected to disrupt IKBKB protein function with a negative predictive value of 95%. In summary, the available evidence is currently insufficient to determine the role of this variant in disease. Therefore, it has been classified as a Variant of Uncertain Significance.